The following is an entry in ClinVar:

ClinVar aggregate classification (germline): Uncertain significance (1 of 4 stars; one submission).

gnomAD v4.1: 2 of 1,605,878 alleles (0.00012%); highest among the groups gnomAD compares: Non-Finnish European, 0.000085%; no homozygotes.

Submission:

Mayo Clinic Laboratories, Mayo Clinic
Classification: Uncertain significance. Last evaluated: 2025-11-19. Review status: criteria provided, single submitter. Criteria: ACMG Guidelines, 2015. Collection method: clinical testing. Allele origin: germline. Observed: 1 variant allele.
Comment: PM2_supporting

NM_000089.4(COL1A2):c.3028G>A (p.Glu1010Lys)

Gene: COL1A2 (collagen type I alpha 2 chain; plus strand). Cytogenetic location: 7q21.3.
Variant type: single nucleotide variant.
Coding change: c.3028G>A on transcript NM_000089.4 (MANE Select); coding-DNA position 3028, G replaced by A.
Protein change: p.Glu1010Lys; replaces glutamic acid 1010 with lysine.
Molecular consequence: missense variant.
Genome position (GRCh38, 1-based): chr7:94,426,453, G>A. VCF-style: chr7-94426453-G-A. GRCh37 (hg19) VCF-style: chr7-94055765-G-A.
Other names: p.Glu1010Lys; short protein forms E1010K.
Identifiers: ClinVar variation 4541317 (VCV004541317.1).
Genomic context (GRCh38, chr7:94,426,453, plus strand): 5'-AGTCTTATCCATCCTTCTGTTTCTTTATAGGGCCCACAAGGCATTCGTGGCGATAAGGGA[G>A]AGCCCGGTGAAAAGGGGCCCAGAGGTCTTCCTGGCTTAAAGGGACACAATGGATTGCAAG-3'
Protein context (NP_000080.2, residues 1000-1020): GPQGIRGDKG[Glu1010Lys]PGEKGPRGLP